The following is an entry in ClinVar:

ClinVar aggregate classification (germline): Conflicting classifications of pathogenicity. Review status: criteria provided, conflicting classifications (1 of 4 stars). 7 submissions from 7 submitters: Uncertain significance (6); Likely benign (1). Last evaluated 2026-01-28.

Conditions:
Hirschsprung disease, susceptibility to, 1 (HSCR1). Also called: RET-Related Hirschsprung Disease. Identifiers: Orphanet 388, MedGen C3888239, MONDO:0007723, OMIM 142623.
Pheochromocytoma. Also called: MAX-Related Hereditary Paraganglioma-Pheochromocytoma Syndrome. Identifiers: Orphanet 29072, MedGen C0031511, MONDO:0008233, OMIM 171300, HP:0002666.
Multiple endocrine neoplasia type 2A. Also called: MULTIPLE ENDOCRINE NEOPLASIA, TYPE IIA; PTC SYNDROME; SIPPLE SYNDROME; MEN 2A; MEN-2A syndrome; Pheochromocytoma and amyloid producing medullary thyroid carcinoma. Identifiers: Orphanet 247698, Orphanet 653, MedGen C0025268, MeSH D018813, MONDO:0008234, OMIM 171400.
Familial medullary thyroid carcinoma (MTC). Also called: Thyroid cancer, familial medullary; MTC, familial; Familial Medullary Thyroid Carcinoma (FMTC). Identifiers: Orphanet 653, Orphanet 99361, MedGen C1833921, MONDO:0007958, OMIM 155240.
Multiple endocrine neoplasia type 2B. Also called: MEN 2B; Multiple endocrine neoplasia, type 3; MUCOSAL NEUROMA SYNDROME; MEN IIB; NEUROMATA, MUCOSAL, WITH ENDOCRINE TUMORS; WAGENMANN-FROBOESE SYNDROME. Identifiers: Orphanet 247709, Orphanet 653, MedGen C0025269, MeSH D018814, MONDO:0008082, OMIM 162300.
Hereditary cancer-predisposing syndrome. Also called: Neoplastic Syndromes, Hereditary; Tumor predisposition; Hereditary Cancer Syndrome; Hereditary neoplastic syndrome. Identifiers: Orphanet 140162, MedGen C0027672, MeSH D009386, MONDO:0015356.
Multiple endocrine neoplasia, type 2 (MEN2). Identifiers: Orphanet 653, MedGen C4048306, MONDO:0019003. Disease mechanism: gain of function.

Allele frequency attached by ClinVar (database versions not stated): gnomAD exomes below 0.00001 and 0.00001; ExAC 0.00001; gnomAD 0.00001; TOPMed 0.00007; ESP Exome Variant Server 0.00008.

Submissions (7):

Labcorp Genetics (formerly Invitae), Labcorp
Classification: Uncertain significance for Multiple endocrine neoplasia, type 2. Last evaluated: 2026-01-28. Review status: criteria provided, single submitter. Criteria: Invitae Variant Classification Sherloc (09022015). Collection method: clinical testing. Allele origin: germline.
Comment: This sequence change replaces methionine, which is neutral and non-polar, with isoleucine, which is neutral and non-polar, at codon 1064 of the RET protein (p.Met1064Ile). This variant is present in population databases (rs144730090, gnomAD 0.01%). This variant has not been reported in the literature in individuals affected with RET-related conditions. ClinVar contains an entry for this variant (Variation ID: 851935). An algorithm developed to predict the effect of missense changes on protein structure and function (PolyPhen-2) suggests that this variant is likely to be tolerated. In summary, the available evidence is currently insufficient to determine the role of this variant in disease. Therefore, it has been classified as a Variant of Uncertain Significance.

Quest Diagnostics Nichols Institute San Juan Capistrano
Classification: Uncertain significance. Last evaluated: 2025-02-11. Review status: criteria provided, single submitter. Criteria: Quest Diagnostics criteria. Collection method: clinical testing. Allele origin: unknown.

St. Jude Molecular Pathology, St. Jude Children's Research Hospital
Classification: Uncertain significance for Multiple endocrine neoplasia type 2A. Last evaluated: 2025-01-24. Review status: criteria provided, single submitter. Criteria: St. Jude Assertion Criteria 2020. Collection method: clinical testing. Allele origin: germline.
Comment: The RET c.3192G>A p.(Met1064Ile) missense change has a maximum subpopulation frequency of 0.02% in gnomAD v2.1.1. The in silico tool REVEL is inconclusive about a pathogenic or benign effect of this variant on protein function, and to our knowledge functional studies have not been performed. To our knowledge, this variant has not been reported in the literature in individuals with multiple endocrine neoplasia type II. In summary, the evidence currently available is insufficient to determine the clinical significance of this variant. It has therefore been classified as of uncertain significance.

All of Us Research Program, National Institutes of Health
Classification: Uncertain significance for Multiple endocrine neoplasia, type 2. Last evaluated: 2024-07-29. Review status: criteria provided, single submitter. Criteria: ACMG Guidelines, 2015. Collection method: clinical testing. Allele origin: germline. Inheritance: Autosomal dominant inheritance. Observed: 1 variant allele, 1 heterozygote.
Comment: This missense variant replaces methionine with isoleucine at codon 1064 of the RET protein. Computational prediction is inconclusive regarding the impact of this variant on protein structure and function (internally defined REVEL score threshold 0.5 < inconclusive < 0.7, PMID: 27666373). To our knowledge, functional studies have not been reported for this variant. This variant has not been reported as a germline mutation in individuals affected with hereditary cancer in the literature. This variant has been identified in 3/251470 chromosomes in the general population by the Genome Aggregation Database (gnomAD). The available evidence is insufficient to determine the role of this variant in disease conclusively. Therefore, this variant is classified as a Variant of Uncertain Significance.

This study involves interpretation of variants in research participants for the purpose of population health screening. Participant phenotype was not available at the time of variant classification. Additional details can be found in publication PMID: 35346344, PMCID: PMC8962531

GeneDx
Classification: Uncertain significance. Last evaluated: 2023-12-11. Review status: criteria provided, single submitter. Criteria: GeneDx Variant Classification Process June 2021. Collection method: clinical testing. Allele origin: germline. Affected: yes.
Comment: Not observed at significant frequency in large population cohorts (gnomAD); In silico analysis supports that this missense variant does not alter protein structure/function; Has not been previously published as pathogenic or benign to our knowledge; This variant is associated with the following publications: (PMID: 14633923)

Ambry Genetics
Classification: Likely benign for Hereditary cancer-predisposing syndrome. Last evaluated: 2022-06-14. Review status: criteria provided, single submitter. Criteria: Ambry Variant Classification Scheme 2023. Collection method: clinical testing. Allele origin: germline.

Fulgent Genetics
Classification: Uncertain significance for Hirschsprung disease, susceptibility to, 1; Familial medullary thyroid carcinoma; Multiple endocrine neoplasia type 2B; Pheochromocytoma; Multiple endocrine neoplasia type 2A. Last evaluated: 2021-12-28. Review status: criteria provided, single submitter. Criteria: ACMG Guidelines, 2015. Collection method: clinical testing. Allele origin: unknown.

NM_020975.6(RET):c.3192G>A (p.Met1064Ile)

Gene: RET (ret proto-oncogene; plus strand). Cytogenetic location: 10q11.21.
Variant type: single nucleotide variant.
Coding change: c.3192G>A on transcript NM_020975.6 (MANE Select); coding-DNA position 3192, G replaced by A.
Protein change: p.Met1064Ile; replaces methionine 1064 with isoleucine.
Molecular consequence: missense variant.
Genome position (GRCh38, 1-based): chr10:43,128,116, G>A. VCF-style: chr10-43128116-G-A. GRCh37 (hg19) VCF-style: chr10-43623564-G-A.
Other names: short protein forms M1064I.
Identifiers: ClinVar variation 851935 (VCV000851935.17), dbSNP rs144730090, ClinGen allele CA054728.
Genomic context (GRCh38, chr10:43,128,116, plus strand): 5'-TGCACTTGAAGTTTTGGTTCTTCAGTGCAGAACAAATGATCTGTTTTCATTTTTAGGCAT[G>A]TCAGACCCGAACTGGCCTGGAGAGAGTCCTGTACCACTCACGAGAGCTGATGGCACTAAC-3'
Protein context (NP_066124.1, residues 1054-1074): STWIENKLYG[Met1064Ile]SDPNWPGESP